The following is an entry in ClinVar:

NM_003470.3(USP7):c.2807C>T (p.Ser936Leu)

Gene: USP7 (ubiquitin specific peptidase 7; minus strand). Cytogenetic location: 16p13.2.
Variant type: single nucleotide variant.
Coding change: c.2807C>T on transcript NM_003470.3 (MANE Select); coding-DNA position 2807, C replaced by T.
Protein change: p.Ser936Leu; replaces serine 936 with leucine.
Molecular consequence: missense variant. On other transcripts: non-coding transcript variant (1).
Genome position (GRCh38, 1-based): chr16:8,897,011, G>A on the plus strand (C>T on the coding strand, the complement: USP7 is on the minus strand). VCF-style: chr16-8897011-G-A. GRCh37 (hg19) VCF-style: chr16-8990868-G-A.
Other names: c.2759C>T, p.Ser920Leu (NM_001286457.2); c.2510C>T, p.Ser837Leu (NM_001286458.2); c.2633C>T, p.Ser878Leu (NM_001321858.2); short protein forms S837L, S878L, S920L, S936L.
Identifiers: ClinVar variation 3336073 (VCV003336073.1).

ClinVar aggregate classification (germline): Uncertain significance (1 of 4 stars; one submission).

Submission:

Women's Health and Genetics/Laboratory Corporation of America, LabCorp
Classification: Uncertain significance. Last evaluated: 2024-05-09. Review status: criteria provided, single submitter. Criteria: LabCorp Variant Classification Summary - May 2015. Collection method: clinical testing. Allele origin: germline.
Comment: Variant summary: USP7 c.2807C>T (p.Ser936Leu) results in a non-conservative amino acid change located in the Ubiquitin carboxyl-terminal hydrolase, C-terminal domain (IPR029346) of the encoded protein sequence. Three of five in-silico tools predict a damaging effect of the variant on protein function. The variant was absent in 251472 control chromosomes. The available data on variant occurrences in the general population are insufficient to allow any conclusion about variant significance. To our knowledge, no occurrence of c.2807C>T in individuals affected with Hao-Fountain Syndrome and no experimental evidence demonstrating its impact on protein function have been reported. No submitters have cited clinical-significance assessments for this variant to ClinVar. Based on the evidence outlined above, the variant was classified as uncertain significance.